The following is an entry in ClinVar:

NM_000368.5(TSC1):c.1334A>G (p.Glu445Gly)

Gene: TSC1 (TSC complex subunit 1; minus strand). Cytogenetic location: 9q34.13.
Variant type: single nucleotide variant.
Coding change: c.1334A>G on transcript NM_000368.5 (MANE Select); coding-DNA position 1334, A replaced by G.
Protein change: p.Glu445Gly; replaces glutamic acid 445 with glycine.
Molecular consequence: missense variant.
Genome position (GRCh38, 1-based): chr9:132,906,835, T>C on the plus strand (A>G on the coding strand, the complement: TSC1 is on the minus strand). VCF-style: chr9-132906835-T-C. GRCh37 (hg19) VCF-style: chr9-135782222-T-C.
Other names: c.1331A>G, p.Glu444Gly (NM_001162426.2); c.1181A>G, p.Glu394Gly (NM_001162427.2); c.971A>G, p.Glu324Gly (NM_001362177.2); short protein forms E394G, E444G, E324G, E445G.
Identifiers: ClinVar variation 1373979 (VCV001373979.8), dbSNP rs2131869266, ClinGen allele CA375366062.

ClinVar aggregate classification (germline): Uncertain significance (1 of 4 stars; one submission).

Conditions:
Tuberous sclerosis 1 (TSC1). Identifiers: Orphanet 805, MedGen C1854465, MONDO:0008612, OMIM 191100.

Submission:

Labcorp Genetics (formerly Invitae), Labcorp
Classification: Uncertain significance for Tuberous sclerosis 1. Last evaluated: 2023-07-17. Review status: criteria provided, single submitter. Criteria: Invitae Variant Classification Sherloc (09022015). Collection method: clinical testing. Allele origin: germline.
Comment: In summary, the available evidence is currently insufficient to determine the role of this variant in disease. Therefore, it has been classified as a Variant of Uncertain Significance. Algorithms developed to predict the effect of sequence changes on RNA splicing suggest that this variant may disrupt the consensus splice site. An algorithm developed to predict the effect of missense changes on protein structure and function (PolyPhen-2) suggests that this variant is likely to be tolerated. ClinVar contains an entry for this variant (Variation ID: 1373979). This variant has not been reported in the literature in individuals affected with TSC1-related conditions. This variant is not present in population databases (gnomAD no frequency). This sequence change replaces glutamic acid, which is acidic and polar, with glycine, which is neutral and non-polar, at codon 445 of the TSC1 protein (p.Glu445Gly).